The following is an entry in ClinVar:

ClinVar aggregate classification (germline): Uncertain significance (1 of 4 stars; one submission).

Conditions:
Polyglucosan body myopathy type 1 (PGBM1). Also called: Polyglucosan body myopathy 1 with or without immunodeficiency; POLYGLUCOSAN BODY MYOPATHY WITHOUT IMMUNODEFICIENCY. Identifiers: Orphanet 329173, Orphanet 397937, MedGen C4014605, MONDO:0014389, OMIM 615895.

gnomAD v4.1: 2 of 1,614,070 alleles (0.00012%); highest among the groups gnomAD compares: Non-Finnish European, 0.00017%; no homozygotes.

Submission:

Labcorp Genetics (formerly Invitae), Labcorp
Classification: Uncertain significance for Polyglucosan body myopathy type 1. Last evaluated: 2022-03-21. Review status: criteria provided, single submitter. Criteria: Invitae Variant Classification Sherloc (09022015). Collection method: clinical testing. Allele origin: germline.
Comment: In summary, the available evidence is currently insufficient to determine the role of this variant in disease. Therefore, it has been classified as a Variant of Uncertain Significance. Algorithms developed to predict the effect of missense changes on protein structure and function are either unavailable or do not agree on the potential impact of this missense change (SIFT: "Not Available"; PolyPhen-2: "Benign"; Align-GVGD: "Not Available"). This sequence change replaces glutamic acid, which is acidic and polar, with aspartic acid, which is acidic and polar, at codon 388 of the RBCK1 protein (p.Glu388Asp). This variant is not present in population databases (gnomAD no frequency). This variant has not been reported in the literature in individuals affected with RBCK1-related conditions.

NM_031229.4(RBCK1):c.1164G>C (p.Glu388Asp)

Gene: RBCK1 (RANBP2-type and C3HC4-type zinc finger containing 1; plus strand). Cytogenetic location: 20p13.
Variant type: single nucleotide variant.
Coding change: c.1164G>C on transcript NM_031229.4 (MANE Select); coding-DNA position 1164, G replaced by C.
Protein change: p.Glu388Asp; replaces glutamic acid 388 with aspartic acid.
Molecular consequence: missense variant. On other transcripts: non-coding transcript variant (1).
Genome position (GRCh38, 1-based): chr20:427,447, G>C. VCF-style: chr20-427447-G-C. GRCh37 (hg19) VCF-style: chr20-408091-G-C.
Other names: c.654G>C, p.Glu218Asp (NM_001323956.2, NM_001323958.2); c.1215G>C, p.Glu405Asp (NM_001410770.1); c.1038G>C, p.Glu346Asp (NM_006462.6); short protein forms E388D, E405D, E218D, E346D.
Identifiers: ClinVar variation 2201063 (VCV002201063.3), dbSNP rs750877383, ClinGen allele CA310623143.